The following is an entry in ClinVar:

ClinVar aggregate classification (germline): Benign (1 of 4 stars; one submission).

Submission:

GeneDx
Classification: Benign. Last evaluated: 2018-06-14. Review status: criteria provided, single submitter. Criteria: GeneDx Variant Classification (06012015). Collection method: clinical testing. Allele origin: germline. Affected: yes.
Comment: This variant is considered likely benign or benign based on one or more of the following criteria: it is a conservative change, it occurs at a poorly conserved position in the protein, it is predicted to be benign by multiple in silico algorithms, and/or has population frequency not consistent with disease.

NM_000744.7(CHRNA4):c.384-142dup

Gene: CHRNA4 (cholinergic receptor nicotinic alpha 4 subunit; minus strand). Cytogenetic location: 20q13.33.
Variant type: Duplication.
Coding change: c.384-142dup on transcript NM_000744.7 (MANE Select); 142 bases into the intron before coding-DNA position 384, one base duplicated (G; older notation c.384-142dupG).
Molecular consequence: intron variant.
Genome position (GRCh38, 1-based): chr20:63,351,169, C duplicated on the plus strand (G on the coding strand, the reverse complement: CHRNA4 is on the minus strand); the first of 2 consecutive C bases (chr20:63,351,169-63,351,170); duplicating either gives the same sequence. VCF-style (leftmost placement, unchanged base first): chr20-63351168-T-TC. GRCh37 (hg19) VCF-style: chr20-61982520-T-TC.
Other names: c.-145-142dup (NM_001256573.2).
Identifiers: ClinVar variation 679140 (VCV000679140.1), dbSNP rs11483691, ClinGen allele CA317436742.